The following is an entry in ClinVar:

ClinVar aggregate classification (germline): Uncertain significance. Review status: criteria provided, multiple submitters, no conflicts (2 of 4 stars). 2 submissions from 2 submitters: Uncertain significance (2). Last evaluated 2025-06-23.

gnomAD v4.1: 2 of 1,613,614 alleles (0.00012%); highest among the groups gnomAD compares: Admixed American, 0.0017%; no homozygotes.

Submissions (2):

GeneDx
Classification: Uncertain significance. Last evaluated: 2025-06-23. Review status: criteria provided, single submitter. Criteria: GeneDx Variant Classification Process June 2021. Collection method: clinical testing. Allele origin: germline. Affected: yes.
Comment: Not observed at significant frequency in large population cohorts (gnomAD); In silico analysis suggests that this missense variant does not alter protein structure/function; Has not been previously published as pathogenic or benign to our knowledge

Labcorp Genetics (formerly Invitae), Labcorp
Classification: Uncertain significance. Last evaluated: 2024-11-29. Review status: criteria provided, single submitter. Criteria: Invitae Variant Classification Sherloc (09022015). Collection method: clinical testing. Allele origin: germline.
Comment: This sequence change replaces glycine, which is neutral and non-polar, with glutamic acid, which is acidic and polar, at codon 3920 of the FAT4 protein (p.Gly3920Glu). This variant is present in population databases (no rsID available, gnomAD 0.003%). This variant has not been reported in the literature in individuals affected with FAT4-related conditions. Invitae Evidence Modeling of protein sequence and biophysical properties (such as structural, functional, and spatial information, amino acid conservation, physicochemical variation, residue mobility, and thermodynamic stability) indicates that this missense variant is not expected to disrupt FAT4 protein function with a negative predictive value of 95%. In summary, the available evidence is currently insufficient to determine the role of this variant in disease. Therefore, it has been classified as a Variant of Uncertain Significance.

NM_001291303.3(FAT4):c.11765G>A (p.Gly3922Glu)

Gene: FAT4 (FAT atypical cadherin 4; plus strand). Cytogenetic location: 4q28.1.
Variant type: single nucleotide variant.
Coding change: c.11765G>A on transcript NM_001291303.3 (MANE Select); coding-DNA position 11765, G replaced by A.
Protein change: p.Gly3922Glu; replaces glycine 3922 with glutamic acid.
Molecular consequence: missense variant.
Genome position (GRCh38, 1-based): chr4:125,452,775, G>A. VCF-style: chr4-125452775-G-A. GRCh37 (hg19) VCF-style: chr4-126373930-G-A.
Other names: c.11765G>A, p.Gly3922Glu (NM_001291285.3); c.11759G>A, p.Gly3920Glu (NM_024582.6); c.11759G>A (NM_024582.4); short protein forms G3920E, G3922E.
Identifiers: ClinVar variation 3613509 (VCV003613509.2).